The following is an entry in ClinVar:

NM_001131016.2(CIZ1):c.1879A>G (p.Met627Val)

Gene: CIZ1 (CDKN1A interacting zinc finger protein 1; minus strand). Cytogenetic location: 9q34.11.
Variant type: single nucleotide variant.
Coding change: c.1879A>G on transcript NM_001131016.2 (MANE Select); coding-DNA position 1879, A replaced by G.
Protein change: p.Met627Val; replaces methionine 627 with valine.
Molecular consequence: missense variant.
Genome position (GRCh38, 1-based): chr9:128,176,415, T>C on the plus strand (A>G on the coding strand, the complement: CIZ1 is on the minus strand). VCF-style: chr9-128176415-T-C. GRCh37 (hg19) VCF-style: chr9-130938694-T-C.
Other names: c.1711A>G, p.Met571Val (NM_001131015.2); c.1696A>G, p.Met566Val (NM_001131017.2); c.1639A>G, p.Met547Val (NM_001131018.2); c.1969A>G, p.Met657Val (NM_001257975.2); c.1576A>G, p.Met526Val (NM_001257976.2); c.1879A>G, p.Met627Val (NM_012127.3); short protein forms M526V, M657V, M566V, M571V, M547V, M627V.
Identifiers: ClinVar variation 665442 (VCV000665442.8), dbSNP rs762417044, ClinGen allele CA5257214.
Genomic context (GRCh38, chr9:128,176,415, plus strand): 5'-CCTCTGTCTCCAGGACGTCCCGGGGCACGGGCAGCAGGGACAGGAGGCAGGCTTGGCTCA[T>C]GTGCTGGATCTCCCCTAGCCGCTGCTGGTGCTGAGGCTCCGACATGTGGTCCTGGAACTC-3'
Protein context (NP_001124488.1, residues 617-637): HQQRLGEIQH[Met627Val]SQACLLSLLP

ClinVar aggregate classification (germline): Uncertain significance (1 of 4 stars; one submission).

Conditions:
Dystonic disorder. Also called: Dystonia. Identifiers: MedGen C0013421, MONDO:0003441, HP:0001332.

Allele frequency attached by ClinVar (database versions not stated): gnomAD exomes below 0.00001 and 0.00001; TOPMed below 0.00001; ExAC 0.00001; gnomAD 0.00001.
gnomAD v4.1: 12 of 1,613,924 alleles (0.00074%); highest among the groups gnomAD compares: Non-Finnish European, 0.00093%; no homozygotes.

Submission:

Labcorp Genetics (formerly Invitae), Labcorp
Classification: Uncertain significance for Dystonic disorder. Last evaluated: 2024-07-24. Review status: criteria provided, single submitter. Criteria: Invitae Variant Classification Sherloc (09022015). Collection method: clinical testing. Allele origin: germline.
Comment: This sequence change replaces methionine, which is neutral and non-polar, with valine, which is neutral and non-polar, at codon 627 of the CIZ1 protein (p.Met627Val). This variant is present in population databases (rs762417044, gnomAD 0.0009%). This variant has not been reported in the literature in individuals affected with CIZ1-related conditions. ClinVar contains an entry for this variant (Variation ID: 665442). An algorithm developed to predict the effect of missense changes on protein structure and function (PolyPhen-2) suggests that this variant is likely to be tolerated. In summary, the available evidence is currently insufficient to determine the role of this variant in disease. Therefore, it has been classified as a Variant of Uncertain Significance.